The following is an entry in ClinVar:

ClinVar aggregate classification (germline): Uncertain significance (1 of 4 stars; one submission).

Conditions:
Peroxisome biogenesis disorder 11A (Zellweger). Also called: Peroxisome biogenesis disorder 11A. Identifiers: Orphanet 912, MedGen C3554000, MONDO:0013949, OMIM 614883.

Allele frequency attached by ClinVar (database versions not stated): gnomAD exomes below 0.00001; gnomAD 0.00001.
gnomAD v4.1: 2 of 1,614,072 alleles (0.00012%); highest among the groups gnomAD compares: African/African-American, 0.0027%; no homozygotes.

Submission:

Labcorp Genetics (formerly Invitae), Labcorp
Classification: Uncertain significance for Peroxisome biogenesis disorder 11A (Zellweger). Last evaluated: 2021-08-28. Review status: criteria provided, single submitter. Criteria: Invitae Variant Classification Sherloc (09022015). Collection method: clinical testing. Allele origin: germline.
Comment: This sequence change replaces leucine with phenylalanine at codon 56 of the PEX13 protein (p.Leu56Phe). The leucine residue is moderately conserved and there is a small physicochemical difference between leucine and phenylalanine. This variant is not present in population databases (ExAC no frequency). This variant has not been reported in the literature in individuals affected with PEX13-related conditions. Algorithms developed to predict the effect of missense changes on protein structure and function (SIFT, PolyPhen-2, Align-GVGD) all suggest that this variant is likely to be tolerated. In summary, the available evidence is currently insufficient to determine the role of this variant in disease. Therefore, it has been classified as a Variant of Uncertain Significance.

NM_002618.4(PEX13):c.166C>T (p.Leu56Phe)

Gene: PEX13 (peroxisomal biogenesis factor 13; plus strand). Cytogenetic location: 2p15.
Variant type: single nucleotide variant.
Coding change: c.166C>T on transcript NM_002618.4 (MANE Select); coding-DNA position 166, C replaced by T.
Protein change: p.Leu56Phe; replaces leucine 56 with phenylalanine.
Molecular consequence: missense variant.
Genome position (GRCh38, 1-based): chr2:61,031,492, C>T. VCF-style: chr2-61031492-C-T. GRCh37 (hg19) VCF-style: chr2-61258627-C-T.
Other names: short protein forms L56F.
Identifiers: ClinVar variation 1356876 (VCV001356876.5), dbSNP rs1292485549, ClinGen allele CA346941340.